The following is an entry in ClinVar:

ClinVar aggregate classification (germline): Conflicting classifications of pathogenicity. Review status: criteria provided, conflicting classifications (1 of 4 stars). 3 submissions from 3 submitters: Uncertain significance (1); Likely benign (2). Last evaluated 2025-12-01.

Conditions:
Maturity-onset diabetes of the young type 7 (MODY7). Identifiers: Orphanet 552, MedGen C1864839, MONDO:0012513, OMIM 610508.

Allele frequency attached by ClinVar (database versions not stated): 1000 Genomes Project 30x 0.00016; TOPMed 0.00016; gnomAD 0.00019 and 0.00021; 1000 Genomes Project 0.00020; gnomAD exomes 0.00022 and 0.00027; ESP Exome Variant Server 0.00023; ExAC 0.00030.
gnomAD v4.1: 347 of 1,613,756 alleles (0.022%); highest among the groups gnomAD compares: Non-Finnish European, 0.024%; 1 homozygote.

Submissions (3):

CeGaT Center for Human Genetics Tuebingen
Classification: Likely benign. Last evaluated: 2025-12-01. Review status: criteria provided, single submitter. Criteria: CeGaT Center For Human Genetics Tuebingen Variant Classification Criteria Version 2. Collection method: clinical testing. Allele origin: germline. Affected: yes. Observed: 1 variant allele.
Comment: KLF11: BP4, BS2

Labcorp Genetics (formerly Invitae), Labcorp
Classification: Uncertain significance. Last evaluated: 2025-10-02. Review status: criteria provided, single submitter. Criteria: Invitae Variant Classification Sherloc (09022015). Collection method: clinical testing. Allele origin: germline.
Comment: This sequence change replaces serine, which is neutral and polar, with arginine, which is basic and polar, at codon 182 of the KLF11 protein (p.Ser182Arg). This variant is present in population databases (rs142266428, gnomAD 0.06%), and has an allele count higher than expected for a pathogenic variant. This variant has not been reported in the literature in individuals affected with KLF11-related conditions. ClinVar contains an entry for this variant (Variation ID: 892907). An algorithm developed to predict the effect of missense changes on protein structure and function outputs the following: PolyPhen-2: "Benign". The arginine amino acid residue is found in multiple mammalian species, which suggests that this missense change does not adversely affect protein function. In summary, the available evidence is currently insufficient to determine the role of this variant in disease. Therefore, it has been classified as a Variant of Uncertain Significance.

Illumina Laboratory Services, Illumina
Classification: Likely benign for Maturity-onset diabetes of the young type 7. Last evaluated: 2018-01-13. Review status: criteria provided, single submitter. Criteria: ICSL Variant Classification Criteria 13 December 2019. Collection method: clinical testing. Allele origin: germline.
Comment: This variant was observed in the ICSL laboratory as part of a predisposition screen in an ostensibly healthy population. It had not been previously curated by ICSL or reported in the Human Gene Mutation Database (HGMD: prior to June 1st, 2018), and was therefore a candidate for classification through an automated scoring system. Utilizing variant allele frequency, disease prevalence and penetrance estimates, and inheritance mode, an automated score was calculated to assess if this variant is too frequent to cause the disease. Based on the score and internal cut-off values, a variant classified as likely benign is not then subjected to further curation. The score for this variant resulted in a classification of likely benign for this disease.

NM_003597.5(KLF11):c.546C>A (p.Ser182Arg)

Gene: KLF11 (KLF transcription factor 11; plus strand). Cytogenetic location: 2p25.1.
Variant type: single nucleotide variant.
Coding change: c.546C>A on transcript NM_003597.5 (MANE Select); coding-DNA position 546, C replaced by A.
Protein change: p.Ser182Arg; replaces serine 182 with arginine.
Molecular consequence: missense variant.
Genome position (GRCh38, 1-based): chr2:10,047,883, C>A. VCF-style: chr2-10047883-C-A. GRCh37 (hg19) VCF-style: chr2-10188010-C-A.
Other names: c.495C>A, p.Ser165Arg (NM_001177716.2, NM_001177718.2); short protein forms S182R, S165R.
Identifiers: ClinVar variation 892907 (VCV000892907.15), dbSNP rs142266428, ClinGen allele CA1525544.